The following is an entry in ClinVar:

NM_001355436.2(SPTB):c.567-1G>C

Gene: SPTB (spectrin beta, erythrocytic; minus strand). Cytogenetic location: 14q23.3.
Variant type: single nucleotide variant.
Coding change: c.567-1G>C on transcript NM_001355436.2 (MANE Select); the canonical splice acceptor site of the intron before coding-DNA position 567, G replaced by C.
Molecular consequence: splice acceptor variant.
Genome position (GRCh38, 1-based): chr14:64,801,835, C>G on the plus strand (G>C on the coding strand, the complement: SPTB is on the minus strand). VCF-style: chr14-64801835-C-G. GRCh37 (hg19) VCF-style: chr14-65268553-C-G.
Other names: c.567-1G>C (NM_001024858.4, NM_001355437.2).
Identifiers: ClinVar variation 3654403 (VCV003654403.2).

ClinVar aggregate classification (germline): Likely pathogenic (1 of 4 stars; one submission).

Submission:

Labcorp Genetics (formerly Invitae), Labcorp
Classification: Likely pathogenic. Last evaluated: 2024-05-23. Review status: criteria provided, single submitter. Criteria: Invitae Variant Classification Sherloc (09022015). Collection method: clinical testing. Allele origin: germline.
Comment: This sequence change affects an acceptor splice site in intron 4 of the SPTB gene. It is expected to disrupt RNA splicing. Variants that disrupt the donor or acceptor splice site typically lead to a loss of protein function (PMID: 16199547), and loss-of-function variants in SPTB are known to be pathogenic (PMID: 1391962, 1498324, 8844207, 26830532, 27292444). This variant is not present in population databases (gnomAD no frequency). This variant has not been reported in the literature in individuals affected with SPTB-related conditions. Algorithms developed to predict the effect of sequence changes on RNA splicing suggest that this variant may disrupt the consensus splice site. In summary, the currently available evidence indicates that the variant is pathogenic, but additional data are needed to prove that conclusively. Therefore, this variant has been classified as Likely Pathogenic.

Literature cited by the submitters: PubMed 16199547; PubMed 1391962; PubMed 1498324; PubMed 8844207; PubMed 26830532; PubMed 27292444.